The following is an entry in ClinVar:

ClinVar aggregate classification (germline): Uncertain significance (1 of 4 stars; one submission).

Conditions:
Hereditary cancer-predisposing syndrome. Also called: Tumor predisposition; Hereditary neoplastic syndrome; Hereditary Cancer Syndrome; Neoplastic Syndromes, Hereditary. Identifiers: Orphanet 140162, MedGen C0027672, MeSH D009386, MONDO:0015356.

Submission:

Ambry Genetics
Classification: Uncertain significance for Hereditary cancer-predisposing syndrome. Last evaluated: 2025-04-07. Review status: criteria provided, single submitter. Criteria: Ambry Variant Classification Scheme 2023. Collection method: clinical testing. Allele origin: germline.
Comment: The p.R696K variant (also known as c.2087G>A), located in coding exon 20 of the RB1 gene, results from a G to A substitution at nucleotide position 2087. The arginine at codon 696 is replaced by lysine, an amino acid with highly similar properties. This amino acid position is conserved. In addition, this alteration is predicted to be tolerated by in silico analysis. Based on the available evidence, the clinical significance of this variant remains unclear.

NM_000321.3(RB1):c.2087G>A (p.Arg696Lys)

Gene: RB1 (RB transcriptional corepressor 1; plus strand). Cytogenetic location: 13q14.2.
Variant type: single nucleotide variant.
Coding change: c.2087G>A on transcript NM_000321.3 (MANE Select); coding-DNA position 2087, G replaced by A.
Protein change: p.Arg696Lys; replaces arginine 696 with lysine.
Molecular consequence: missense variant.
Genome position (GRCh38, 1-based): chr13:48,459,814, G>A. VCF-style: chr13-48459814-G-A. GRCh37 (hg19) VCF-style: chr13-49033950-G-A.
Other names: c.2087G>A, p.Arg696Lys (NM_001407165.1); short protein forms R696K.
Identifiers: ClinVar variation 3943340 (VCV003943340.1).